The following is an entry in ClinVar:

NM_001235.5(SERPINH1):c.188C>T (p.Ala63Val)

Gene: SERPINH1 (serpin family H member 1; plus strand). Cytogenetic location: 11q13.5.
Variant type: single nucleotide variant.
Coding change: c.188C>T on transcript NM_001235.5 (MANE Select); coding-DNA position 188, C replaced by T.
Protein change: p.Ala63Val; replaces alanine 63 with valine.
Molecular consequence: missense variant.
Genome position (GRCh38, 1-based): chr11:75,566,537, C>T. VCF-style: chr11-75566537-C-T. GRCh37 (hg19) VCF-style: chr11-75277582-C-T.
Other names: c.188C>T, p.Ala63Val (NM_001207014.3); short protein forms A63V.
Identifiers: ClinVar variation 713953 (VCV000713953.17), dbSNP rs576480194, ClinGen allele CA6190748.

ClinVar aggregate classification (germline): Benign/Likely benign. Review status: criteria provided, multiple submitters, no conflicts (2 of 4 stars). 5 submissions from 5 submitters: Benign (1); Likely benign (3). 1 of the submissions does not count toward it. Last evaluated 2025-07-30.

Conditions:
Osteogenesis imperfecta (OI). Identifiers: Orphanet 666, MedGen C0029434, MeSH D010013, MONDO:0019019.
SERPINH1-related disorder. Also called: SERPINH1-related condition.

Allele frequency attached by ClinVar (database versions not stated): gnomAD exomes 0.00012 and 0.00041; TOPMed 0.00028; ExAC 0.00033; gnomAD 0.00038; 1000 Genomes Project 0.00060; 1000 Genomes Project 30x 0.00062.
gnomAD v4.1: 231 of 1,611,802 alleles (0.014%); highest among the groups gnomAD compares: East Asian, 0.27%; 1 homozygote.

Submissions (5):

Labcorp Genetics (formerly Invitae), Labcorp
Classification: Likely benign. Last evaluated: 2025-07-30. Review status: criteria provided, single submitter. Criteria: Invitae Variant Classification Sherloc (09022015). Collection method: clinical testing. Allele origin: germline.

Women's Health and Genetics/Laboratory Corporation of America, LabCorp
Classification: Likely benign. Last evaluated: 2024-07-10. Review status: criteria provided, single submitter. Criteria: LabCorp Variant Classification Summary - May 2015. Collection method: clinical testing. Allele origin: germline.
Comment: Variant summary: SERPINH1 c.188C>T (p.Ala63Val) results in a non-conservative amino acid change located in the Serpin domain (IPR023796) of the encoded protein sequence. Four of five in-silico tools predict a benign effect of the variant on protein function. The variant allele was found at a frequency of 0.00041 in 246024 control chromosomes, predominantly at a frequency of 0.0048 within the East Asian subpopulation in the gnomAD database, including 1 homozygote. The observed variant frequency within East Asian control individuals in the gnomAD database exceeds the estimated maximal expected allele frequency for a pathogenic variant in SERPINH1 causing Osteogenesis Imperfecta Type 10 phenotype c.188C>T has been reported in an unknown zygosity in the literature in at least two individuals affected with osteogenesis imperfecta (e.g., Lin_2024). However, these report(s) do not provide unequivocal conclusions about association of the variant with Osteogenesis Imperfecta Type 10. To our knowledge, no experimental evidence demonstrating an impact on protein function has been reported. The following publication has been ascertained in the context of this evaluation (PMID: 37270749). ClinVar contains an entry for this variant (Variation ID: 713953). Based on the evidence outlined above, the variant was classified as likely benign.

Genome Diagnostics Laboratory, The Hospital for Sick Children
Classification: Likely benign for Osteogenesis imperfecta. Last evaluated: 2020-08-10. Review status: criteria provided, single submitter. Criteria: ACMG Guidelines, 2015. Collection method: clinical testing. Allele origin: germline.

GeneDx
Classification: Benign. Last evaluated: 2020-07-17. Review status: criteria provided, single submitter. Criteria: GeneDx Variant Classification Process June 2021. Collection method: clinical testing. Allele origin: germline. Affected: yes.
Comment: This variant is associated with the following publications: (PMID: 30986427)

PreventionGenetics, part of Exact Sciences
Classification: Likely benign for SERPINH1-related condition. Last evaluated: 2020-08-28. Review status: no assertion criteria provided. Collection method: clinical testing. Allele origin: germline. Not counted in ClinVar's aggregate classification.
Comment: This variant is classified as likely benign based on ACMG/AMP sequence variant interpretation guidelines (Richards et al. 2015 PMID: 25741868, with internal and published modifications).

Literature cited by the submitters: PubMed 37270749 (cited by Women's Health and Genetics/Laboratory Corporation of America, LabCorp).